The following is an entry in ClinVar:

ClinVar aggregate classification (germline): Pathogenic (0 of 4 stars; one submission).

Conditions:
ANKRD11-related disorder. Also called: ANKRD11-related condition.

Submission:

PreventionGenetics, part of Exact Sciences
Classification: Pathogenic for ANKRD11-related condition. Last evaluated: 2024-02-28. Review status: no assertion criteria provided. Collection method: clinical testing. Allele origin: germline.
Comment: The ANKRD11 c.2216C>A variant is predicted to result in premature protein termination (p.Ser739*). To our knowledge, this variant has not been reported in the literature or in a large population database, indicating this variant is rare. Nonsense variants in ANKRD11 are expected to be pathogenic. This variant is interpreted as pathogenic.

NM_013275.6(ANKRD11):c.2216C>A (p.Ser739Ter)

Gene: ANKRD11 (ankyrin repeat domain containing 11; minus strand). Cytogenetic location: 16q24.3.
Variant type: single nucleotide variant.
Coding change: c.2216C>A on transcript NM_013275.6 (MANE Select); coding-DNA position 2216, C replaced by A.
Protein change: p.Ser739Ter; replaces serine 739 with a stop codon.
Molecular consequence: nonsense.
Genome position (GRCh38, 1-based): chr16:89,284,326, G>T on the plus strand (C>A on the coding strand, the complement: ANKRD11 is on the minus strand). VCF-style: chr16-89284326-G-T. GRCh37 (hg19) VCF-style: chr16-89350734-G-T.
Other names: c.2216C>A, p.Ser739Ter (NM_001256182.2, NM_001256183.2); short protein forms S739*.
Identifiers: ClinVar variation 3061219 (VCV003061219.2), dbSNP rs146294483, ClinGen allele CA397162926.